The following is an entry in ClinVar:

ClinVar aggregate classification (germline): Uncertain significance (1 of 4 stars; one submission).

Submission:

Ambry Genetics
Classification: Uncertain significance. Last evaluated: 2022-12-04. Review status: criteria provided, single submitter. Criteria: Ambry Variant Classification Scheme 2023. Collection method: clinical testing. Allele origin: germline.
Comment: The p.R1989M variant (also known as c.5966G>T), located in coding exon 9 of the ALPK2 gene, results from a G to T substitution at nucleotide position 5966. The arginine at codon 1989 is replaced by methionine, an amino acid with similar properties. This amino acid position is conserved. In addition, the in silico prediction for this alteration is inconclusive. Since supporting evidence is limited at this time, the clinical significance of this alteration remains unclear.

NM_052947.4(ALPK2):c.5966G>T (p.Arg1989Met)

Gene: ALPK2 (alpha kinase 2; minus strand). Cytogenetic location: 18q21.31.
Variant type: single nucleotide variant.
Coding change: c.5966G>T on transcript NM_052947.4 (MANE Select); coding-DNA position 5966, G replaced by T.
Protein change: p.Arg1989Met; replaces arginine 1989 with methionine.
Molecular consequence: missense variant.
Genome position (GRCh38, 1-based): chr18:58,515,056, C>A on the plus strand (G>T on the coding strand, the complement: ALPK2 is on the minus strand). VCF-style: chr18-58515056-C-A. GRCh37 (hg19) VCF-style: chr18-56182288-C-A.
Other names: short protein forms R1989M.
Identifiers: ClinVar variation 2449221 (VCV002449221.2), dbSNP rs2518861347, ClinGen allele CA402546417.